The following is an entry in ClinVar:

ClinVar aggregate classification (germline): Conflicting classifications of pathogenicity. Review status: criteria provided, conflicting classifications (1 of 4 stars). 3 submissions from 3 submitters: Uncertain significance (2); Likely benign (1). Last evaluated 2022-06-02.

Conditions:
Mowat-Wilson syndrome (MOWS). Also called: Classic Mowat-Wilson Syndrome. Identifiers: Orphanet 2152, MedGen C1856113, MONDO:0009341, OMIM 235730.

Submissions (3):

Labcorp Genetics (formerly Invitae), Labcorp
Classification: Uncertain significance for Mowat-Wilson syndrome. Last evaluated: 2022-06-02. Review status: criteria provided, single submitter. Criteria: Invitae Variant Classification Sherloc (09022015). Collection method: clinical testing. Allele origin: germline.
Comment: This variant has not been reported in the literature in individuals affected with ZEB2-related conditions. This variant is not present in population databases (gnomAD no frequency). This sequence change replaces tyrosine, which is neutral and polar, with histidine, which is basic and polar, at codon 117 of the ZEB2 protein (p.Tyr117His). Algorithms developed to predict the effect of missense changes on protein structure and function are either unavailable or do not agree on the potential impact of this missense change (SIFT: "Deleterious"; PolyPhen-2: "Benign"; Align-GVGD: "Class C0"). In summary, the available evidence is currently insufficient to determine the role of this variant in disease. Therefore, it has been classified as a Variant of Uncertain Significance. ClinVar contains an entry for this variant (Variation ID: 385055).

Genome-Nilou Lab
Classification: Uncertain significance for Mowat-Wilson syndrome. Last evaluated: 2021-11-07. Review status: criteria provided, single submitter. Criteria: ACMG Guidelines, 2015. Collection method: clinical testing. Allele origin: germline. Affected: no.

GeneDx
Classification: Likely benign. Last evaluated: 2016-07-21. Review status: criteria provided, single submitter. Criteria: GeneDx Variant Classification (06012015). Collection method: clinical testing. Allele origin: germline. Affected: yes.
Comment: This variant is considered likely benign or benign based on one or more of the following criteria: it is a conservative change, it occurs at a poorly conserved position in the protein, it is predicted to be benign by multiple in silico algorithms, and/or has population frequency not consistent with disease.

NM_014795.4(ZEB2):c.349T>C (p.Tyr117His)

Gene: ZEB2 (zinc finger E-box binding homeobox 2; minus strand). Cytogenetic location: 2q22.3.
Variant type: single nucleotide variant.
Coding change: c.349T>C on transcript NM_014795.4 (MANE Select); coding-DNA position 349, T replaced by C.
Protein change: p.Tyr117His; replaces tyrosine 117 with histidine.
Molecular consequence: missense variant. On other transcripts: intron variant (1).
Genome position (GRCh38, 1-based): chr2:144,424,850, A>G on the plus strand (T>C on the coding strand, the complement: ZEB2 is on the minus strand). VCF-style: chr2-144424850-A-G. GRCh37 (hg19) VCF-style: chr2-145182417-A-G.
Other names: c.331+4919T>C (NM_001171653.2); short protein forms Y117H.
Identifiers: ClinVar variation 385055 (VCV000385055.11), dbSNP rs1057522108, ClinGen allele CA16603816.